The following is an entry in ClinVar:

ClinVar aggregate classification (germline): Uncertain significance (1 of 4 stars; one submission).

Conditions:
Hereditary pancreatitis (PCTT). Also called: Hereditary chronic pancreatitis; PRSS1-Related Hereditary Pancreatitis. Identifiers: Orphanet 676, MedGen C0238339, MONDO:0008185, OMIM 167800.

gnomAD v4.1: 1 of 1,316,986 alleles (0.000076%); highest among the groups gnomAD compares: Middle Eastern, 0.02%; no homozygotes.

Submission:

Ambry Genetics
Classification: Uncertain significance for Hereditary pancreatitis. Last evaluated: 2026-02-16. Review status: criteria provided, single submitter. Criteria: Ambry Variant Classification Scheme 2023. Collection method: clinical testing. Allele origin: germline.
Comment: The p.A13S variant (also known as c.37G>T), located in coding exon 1 of the CPA1 gene, results from a G to T substitution at nucleotide position 37. The alanine at codon 13 is replaced by serine, an amino acid with similar properties. This amino acid position is conserved. In addition, this alteration is predicted to be tolerated by in silico analysis. Based on the available evidence, the clinical significance of this variant remains unclear.

NM_001868.4(CPA1):c.37G>T (p.Ala13Ser)

Gene: CPA1 (carboxypeptidase A1; plus strand). Cytogenetic location: 7q32.2.
Variant type: single nucleotide variant.
Coding change: c.37G>T on transcript NM_001868.4 (MANE Select); coding-DNA position 37, G replaced by T.
Protein change: p.Ala13Ser; replaces alanine 13 with serine.
Molecular consequence: missense variant.
Genome position (GRCh38, 1-based): chr7:130,380,557, G>T. VCF-style: chr7-130380557-G-T. GRCh37 (hg19) VCF-style: chr7-130020398-G-T.
Other names: short protein forms A13S.
Identifiers: ClinVar variation 4844423 (VCV004844423.1).